The following is an entry in ClinVar:

ClinVar aggregate classification (germline): Uncertain significance (1 of 4 stars; one submission).

gnomAD v4.1: 23 of 1,608,440 alleles (0.0014%); highest among the groups gnomAD compares: Non-Finnish European, 0.0019%; no homozygotes.

Submission:

Labcorp Genetics (formerly Invitae), Labcorp
Classification: Uncertain significance. Last evaluated: 2025-04-09. Review status: criteria provided, single submitter. Criteria: Invitae Variant Classification Sherloc (09022015). Collection method: clinical testing. Allele origin: germline.
Comment: This sequence change replaces arginine, which is basic and polar, with leucine, which is neutral and non-polar, at codon 753 of the DNA2 protein (p.Arg753Leu). This variant is present in population databases (rs751092529, gnomAD 0.003%). This variant has not been reported in the literature in individuals affected with DNA2-related conditions. Invitae Evidence Modeling of protein sequence and biophysical properties (such as structural, functional, and spatial information, amino acid conservation, physicochemical variation, residue mobility, and thermodynamic stability) indicates that this missense variant is expected to disrupt DNA2 protein function with a positive predictive value of 80%. In summary, the available evidence is currently insufficient to determine the role of this variant in disease. Therefore, it has been classified as a Variant of Uncertain Significance.

NM_001080449.3(DNA2):c.2258G>T (p.Arg753Leu)

Gene: DNA2 (DNA replication helicase/nuclease 2; minus strand). Cytogenetic location: 10q21.3.
Variant type: single nucleotide variant.
Coding change: c.2258G>T on transcript NM_001080449.3 (MANE Select); coding-DNA position 2258, G replaced by T.
Protein change: p.Arg753Leu; replaces arginine 753 with leucine.
Molecular consequence: missense variant. On other transcripts: non-coding transcript variant (1).
Genome position (GRCh38, 1-based): chr10:68,422,841, C>A on the plus strand (G>T on the coding strand, the complement: DNA2 is on the minus strand). VCF-style: chr10-68422841-C-A. GRCh37 (hg19) VCF-style: chr10-70182598-C-A.
Other names: short protein forms R753L.
Identifiers: ClinVar variation 4702006 (VCV004702006.1).